The following is an entry in ClinVar:

ClinVar aggregate classification (germline): Uncertain significance. Review status: criteria provided, multiple submitters, no conflicts (2 of 4 stars). 2 submissions from 2 submitters: Uncertain significance (2). Last evaluated 2025-09-29.

Conditions:
Cardiomyopathy (CMYO). Also called: Cardiomyopathies. Identifiers: Orphanet 167848, MedGen C0878544, MONDO:0004994, HP:0001638. Inheritance: Various modes of inheritance.

gnomAD v4.1: 1 of 1,612,266 alleles (0.000062%); no homozygotes.

Submissions (2):

Dasa
Classification: Uncertain significance. Last evaluated: 2025-09-29. Review status: criteria provided, single submitter. Criteria: DASA Assertion Criteria. Collection method: clinical testing. Allele origin: germline.
Comment: NM_004415.4(DSP):c.597G>A (p.Arg199=) is a synonymous variant predicted not to alter the encoded amino acid sequence. This variant is rare in population databases. Computational prediction algorithms are consistent with a deleterious effect. The currently available literature and clinical evidence are not sufficient to establish a definitive association between this variant and the reported condition. Therefore, this variant is classified as a variant of uncertain significance.

Color Diagnostics, LLC DBA Color Health
Classification: Uncertain significance for Cardiomyopathy. Last evaluated: 2024-11-17. Review status: criteria provided, single submitter. Criteria: ACMG Guidelines, 2015. Collection method: clinical testing. Allele origin: germline.
Comment: This variant is located in the DSP protein. To our knowledge, functional studies have not been reported for this variant. This variant has not been reported in individuals affected with DSP-related disorders in the literature. This variant has not been identified in the general population by the Genome Aggregation Database (gnomAD). The available evidence is insufficient to determine the role of this variant in disease conclusively. Therefore, this variant is classified as a Variant of Uncertain Significance.

NM_004415.4(DSP):c.597G>A (p.Arg199=)

Gene: DSP (desmoplakin; plus strand). Cytogenetic location: 6p24.3.
Variant type: single nucleotide variant.
Coding change: c.597G>A on transcript NM_004415.4 (MANE Select); coding-DNA position 597, G replaced by A.
Protein change: p.Arg199=; no amino-acid change (arginine 199 retained).
Molecular consequence: synonymous variant.
Genome position (GRCh38, 1-based): chr6:7,559,400, G>A. VCF-style: chr6-7559400-G-A. GRCh37 (hg19) VCF-style: chr6-7559633-G-A.
Other names: c.597G>A, p.Arg199= (NM_001008844.3, NM_001319034.2, NM_001406591.1).
Identifiers: ClinVar variation 3893848 (VCV003893848.3).